The following is an entry in ClinVar:

ClinVar aggregate classification (germline): Uncertain significance (1 of 4 stars; one submission).

Conditions:
Autosomal dominant nocturnal frontal lobe epilepsy 5. Also called: CILIARY DYSKINESIA, PRIMARY, 28, WITH SITUS INVERSUS; Epilepsy, nocturnal frontal lobe, 5; CILIARY DYSKINESIA, PRIMARY, 28, WITHOUT SITUS INVERSUS; KCNT1-Related Epilepsy. Identifiers: Orphanet 98784, MedGen C3554306, MONDO:0014002, OMIM 615005.
Developmental and epileptic encephalopathy, 14 (DEE14). Also called: Early infantile epileptic encephalopathy 14. Identifiers: Orphanet 293181, MedGen C3554195, MONDO:0013989, OMIM 614959.

gnomAD v4.1: 9 of 1,612,848 alleles (0.00056%); highest among the groups gnomAD compares: South Asian, 0.0033%; no homozygotes.

Submission:

Labcorp Genetics (formerly Invitae), Labcorp
Classification: Uncertain significance for Autosomal dominant nocturnal frontal lobe epilepsy 5; Developmental and epileptic encephalopathy, 14. Last evaluated: 2025-07-30. Review status: criteria provided, single submitter. Criteria: Invitae Variant Classification Sherloc (09022015). Collection method: clinical testing. Allele origin: germline.
Comment: This sequence change falls in intron 3 of the KCNT1 gene. It does not directly change the encoded amino acid sequence of the KCNT1 protein. It affects a nucleotide within the consensus splice site. This variant is present in population databases (rs538356990, gnomAD 0.003%). This variant has not been reported in the literature in individuals affected with KCNT1-related conditions. Variants that disrupt the consensus splice site are a relatively common cause of aberrant splicing (PMID: 17576681, 9536098). Algorithms developed to predict the effect of sequence changes on RNA splicing suggest that this variant is not likely to affect RNA splicing. In summary, the available evidence is currently insufficient to determine the role of this variant in disease. Therefore, it has been classified as a Variant of Uncertain Significance.

Literature cited by the submitters: PubMed 17576681; PubMed 9536098.

NM_020822.3(KCNT1):c.334+3G>A

Gene: KCNT1 (potassium sodium-activated channel subfamily T member 1; plus strand). Cytogenetic location: 9q34.3.
Variant type: single nucleotide variant.
Coding change: c.334+3G>A on transcript NM_020822.3 (MANE Select); 3 bases into the intron after coding-DNA position 334, G replaced by A.
Molecular consequence: intron variant.
Genome position (GRCh38, 1-based): chr9:135,750,180, G>A. VCF-style: chr9-135750180-G-A. GRCh37 (hg19) VCF-style: chr9-138642026-G-A.
Other names: c.190+3G>A (NM_001272003.2).
Identifiers: ClinVar variation 4794736 (VCV004794736.1).